The following is an entry in ClinVar:

NM_021224.6(ZNF462):c.6487G>T (p.Ala2163Ser)

Gene: ZNF462 (zinc finger protein 462; plus strand). Cytogenetic location: 9q31.2.
Variant type: single nucleotide variant.
Coding change: c.6487G>T on transcript NM_021224.6 (MANE Select); coding-DNA position 6487, G replaced by T.
Protein change: p.Ala2163Ser; replaces alanine 2163 with serine.
Molecular consequence: missense variant.
Genome position (GRCh38, 1-based): chr9:106,972,064, G>T. VCF-style: chr9-106972064-G-T. GRCh37 (hg19) VCF-style: chr9-109734345-G-T.
Other names: c.3892G>T, p.Ala1298Ser (NM_001347997.2); short protein forms A2163S, A1298S.
Identifiers: ClinVar variation 3821041 (VCV003821041.2).
Genomic context (GRCh38, chr9:106,972,064, plus strand): 5'-GACTCATCATATTCAGAGCCCCCAGATGTTCAGCAGCAGTTGAACCACTATCAGTCAGCT[G>T]CCCTGGCAAGGAACAACAGCCGTGTTAGCCCTGTGCCTCTTTCTGGGGCTGCTGCTGGCA-3'
Protein context (NP_067047.4, residues 2153-2173): QQQLNHYQSA[Ala2163Ser]LARNNSRVSP

ClinVar aggregate classification (germline): Conflicting classifications of pathogenicity. Review status: criteria provided, conflicting classifications (1 of 4 stars). 2 submissions from 2 submitters: Uncertain significance (1); Likely benign (1). Last evaluated 2026-09-01.

Conditions:
Inborn genetic diseases. Identifiers: MedGen C0950123, MeSH D030342.

gnomAD v4.1: 41 of 1,614,152 alleles (0.0025%); highest among the groups gnomAD compares: Admixed American, 0.01%; no homozygotes.

Submissions (2):

CeGaT Center for Human Genetics Tuebingen
Classification: Likely benign. Last evaluated: 2026-09-01. Review status: criteria provided, single submitter. Criteria: CeGaT Center For Human Genetics Tuebingen Variant Classification Criteria Version 2. Collection method: clinical testing. Allele origin: germline. Affected: yes. Observed: 1 variant allele.
Comment: ZNF462: BS2

Ambry Genetics
Classification: Uncertain significance for Inborn genetic diseases. Last evaluated: 2025-01-17. Review status: criteria provided, single submitter. Criteria: Ambry Variant Classification Scheme 2023. Collection method: clinical testing. Allele origin: germline.